The following is an entry in ClinVar:

NM_018129.4(PNPO):c.-38G>C

Gene: PNPO (pyridoxamine 5'-phosphate oxidase; plus strand). Cytogenetic location: 17q21.32.
Variant type: single nucleotide variant.
Coding change: c.-38G>C on transcript NM_018129.4 (MANE Select); 38 bases upstream of the start codon, G replaced by C.
Molecular consequence: 5 prime UTR variant.
Genome position (GRCh38, 1-based): chr17:47,941,638, G>C. VCF-style: chr17-47941638-G-C. GRCh37 (hg19) VCF-style: chr17-46019004-G-C.
Identifiers: ClinVar variation 385394 (VCV000385394.1), dbSNP rs1057522212, ClinGen allele CA16607730.
Genomic context (GRCh38, chr17:47,941,638, plus strand): 5'-TCCTTCCCCGGGGTAGAAGTCCAGGGTGAGAAATTGGTTCCGAACTCAAAGGAACCCAGT[G>C]CCGGGCCACAGCCGGGTCACGTGGCCGGCGGCCCCCCATGACGTGCTGGCTGCGGGGCGT-3'

ClinVar aggregate classification (germline): Likely benign (1 of 4 stars; one submission).

Submission:

GeneDx
Classification: Likely benign. Last evaluated: 2016-04-12. Review status: criteria provided, single submitter. Criteria: GeneDx Variant Classification (06012015). Collection method: clinical testing. Allele origin: germline. Affected: yes.
Comment: This variant is considered likely benign or benign based on one or more of the following criteria: it is a conservative change, it occurs at a poorly conserved position in the protein, it is predicted to be benign by multiple in silico algorithms, and/or has population frequency not consistent with disease.